The following is an entry in ClinVar:

ClinVar aggregate classification (germline): Likely benign (1 of 4 stars; one submission).

Submission:

Women's Health and Genetics/Laboratory Corporation of America, LabCorp
Classification: Likely benign. Last evaluated: 2025-06-23. Review status: criteria provided, single submitter. Criteria: LabCorp Variant Classification Summary - May 2015. Collection method: clinical testing. Allele origin: germline.
Comment: Variant summary: COL1A2 c.1323T>A alters a conserved nucleotide resulting in a synonymous change. Consensus agreement among computation tools predict no significant impact on normal splicing. However, these predictions have yet to be confirmed by functional studies. The variant was absent in 217124 control chromosomes (gnomAD). The available data on variant occurrences in the general population are insufficient to allow any conclusion about variant significance. To our knowledge, no occurrence of c.1323T>A in individuals affected with Ehlers-Danlos syndrome, cardiac valvular type and no experimental evidence demonstrating its impact on protein function have been reported. No submitters have cited clinical-significance assessments for this variant to ClinVar. Based on the evidence outlined above, the variant was classified as likely benign.

NM_000089.4(COL1A2):c.1323T>A (p.Pro441=)

Gene: COL1A2 (collagen type I alpha 2 chain; plus strand). Cytogenetic location: 7q21.3.
Variant type: single nucleotide variant.
Coding change: c.1323T>A on transcript NM_000089.4 (MANE Select); coding-DNA position 1323, T replaced by A.
Protein change: p.Pro441=; no amino-acid change (proline 441 retained).
Molecular consequence: synonymous variant.
Genome position (GRCh38, 1-based): chr7:94,411,127, T>A. VCF-style: chr7-94411127-T-A. GRCh37 (hg19) VCF-style: chr7-94040439-T-A.
Identifiers: ClinVar variation 3907582 (VCV003907582.1).